The following is an entry in ClinVar:

ClinVar aggregate classification (germline): Likely benign. Review status: criteria provided, multiple submitters, no conflicts (2 of 4 stars). 3 submissions from 3 submitters: Likely benign (3). Last evaluated 2025-09-01.

Allele frequency attached by ClinVar (database versions not stated): TOPMed 0.00001; ExAC 0.00002; gnomAD 0.00002; 1000 Genomes Project 0.00040; 1000 Genomes Project 30x 0.00047.
gnomAD v4.1: 23 of 1,564,066 alleles (0.0015%); highest among the groups gnomAD compares: Middle Eastern, 0.017%; no homozygotes.

Submissions (3):

CeGaT Center for Human Genetics Tuebingen
Classification: Likely benign. Last evaluated: 2025-09-01. Review status: criteria provided, single submitter. Criteria: CeGaT Center For Human Genetics Tuebingen Variant Classification Criteria Version 2. Collection method: clinical testing. Allele origin: germline. Affected: yes. Observed: 1 variant allele.
Comment: ZNF408: BP4, BP7

Blueprint Genetics
Classification: Likely benign. Last evaluated: 2024-02-09. Review status: criteria provided, single submitter. Criteria: ACMG Guidelines, 2015. Collection method: clinical testing. Allele origin: germline.

Labcorp Genetics (formerly Invitae), Labcorp
Classification: Likely benign. Last evaluated: 2022-03-28. Review status: criteria provided, single submitter. Criteria: Invitae Variant Classification Sherloc (09022015). Collection method: clinical testing. Allele origin: germline.

NM_024741.3(ZNF408):c.1662G>A (p.Pro554=)

Gene: ZNF408 (zinc finger protein 408; plus strand). Cytogenetic location: 11p11.2.
Variant type: single nucleotide variant.
Coding change: c.1662G>A on transcript NM_024741.3 (MANE Select); coding-DNA position 1662, G replaced by A.
Protein change: p.Pro554=; no amino-acid change (proline 554 retained).
Molecular consequence: synonymous variant.
Genome position (GRCh38, 1-based): chr11:46,705,362, G>A. VCF-style: chr11-46705362-G-A. GRCh37 (hg19) VCF-style: chr11-46726912-G-A.
Other names: c.1638G>A, p.Pro546= (NM_001184751.2).
Identifiers: ClinVar variation 2180674 (VCV002180674.12), dbSNP rs202105766, ClinGen allele CA5966621.